The following is an entry in ClinVar:

NM_014844.5(TECPR2):c.2513C>G (p.Pro838Arg)

Genes: TECPR2 (tectonin beta-propeller repeat containing 2; plus strand), LOC130056519 (ATAC-STARR-seq lymphoblastoid silent region 6116; plus strand). Cytogenetic location: 14q32.31.
Variant type: single nucleotide variant.
Coding change: c.2513C>G on transcript NM_014844.5 (MANE Select); coding-DNA position 2513, C replaced by G.
Protein change: p.Pro838Arg; replaces proline 838 with arginine.
Molecular consequence: missense variant.
Genome position (GRCh38, 1-based): chr14:102,438,140, C>G. VCF-style: chr14-102438140-C-G. GRCh37 (hg19) VCF-style: chr14-102904477-C-G.
Other names: c.2513C>G, p.Pro838Arg (NM_001172631.3); short protein forms P838R.
Identifiers: ClinVar variation 1011708 (VCV001011708.7), dbSNP rs147312456, ClinGen allele CA7357945.

ClinVar aggregate classification (germline): Uncertain significance (1 of 4 stars; one submission).

Conditions:
Hereditary spastic paraplegia 49 (HSAN9). Also called: Spastic paraplegia 49, autosomal recessive; NEUROPATHY, HEREDITARY SENSORY AND AUTONOMIC, TYPE IX, WITH DEVELOPMENTAL DELAY; TECPR2-Related Hereditary Sensory and Autonomic Neuropathy with Intellectual Disability. Identifiers: Orphanet 320385, MedGen C5190860, MONDO:0014016, OMIM 615031.

gnomAD v4.1: 18 of 1,613,650 alleles (0.0011%); highest among the groups gnomAD compares: Non-Finnish European, 0.000085%; no homozygotes.

Submission:

Labcorp Genetics (formerly Invitae), Labcorp
Classification: Uncertain significance for Hereditary spastic paraplegia 49. Last evaluated: 2023-02-07. Review status: criteria provided, single submitter. Criteria: Invitae Variant Classification Sherloc (09022015). Collection method: clinical testing. Allele origin: germline.
Comment: Algorithms developed to predict the effect of missense changes on protein structure and function output the following: SIFT: "Deleterious"; PolyPhen-2: "Benign"; Align-GVGD: "Class C0". The arginine amino acid residue is found in multiple mammalian species, which suggests that this missense change does not adversely affect protein function. In summary, the available evidence is currently insufficient to determine the role of this variant in disease. Therefore, it has been classified as a Variant of Uncertain Significance. ClinVar contains an entry for this variant (Variation ID: 1011708). This sequence change replaces proline, which is neutral and non-polar, with arginine, which is basic and polar, at codon 838 of the TECPR2 protein (p.Pro838Arg). This variant is present in population databases (rs147312456, gnomAD 0.03%). This variant has not been reported in the literature in individuals affected with TECPR2-related conditions.